The following is an entry in ClinVar:

ClinVar aggregate classification (germline): Benign/Likely benign. Review status: criteria provided, multiple submitters, no conflicts (2 of 4 stars). 9 submissions from 9 submitters: Benign (2); Likely benign (6). 1 of the submissions does not count toward it. Last evaluated 2026-02-02.

Conditions:
Joubert syndrome. Also called: JOUBERT-BOLTSHAUSER SYNDROME; Familial aplasia of the vermis. Identifiers: Orphanet 475, MedGen C5979921, MONDO:0018772.
Meckel-Gruber syndrome. Also called: DYSENCEPHALIA SPLANCHNOCYSTICA; GRUBER SYNDROME; Dysencephalia splachnocystica. Identifiers: Orphanet 564, MedGen C0265215, MONDO:0018921.

Allele frequency attached by ClinVar (database versions not stated): gnomAD exomes 0.00096; ExAC 0.00123; ESP Exome Variant Server 0.00346; gnomAD 0.00356 and 0.00373; TOPMed 0.00369; 1000 Genomes Project 30x 0.00437; 1000 Genomes Project 0.00439.
gnomAD v4.1: 1,159 of 1,614,114 alleles (0.072%); highest among the groups gnomAD compares: African/African-American, 1.2%; 5 homozygotes.

Submissions (12):

Labcorp Genetics (formerly Invitae), Labcorp
Classification: Benign for Joubert syndrome; Meckel-Gruber syndrome. Last evaluated: 2026-02-02. Review status: criteria provided, single submitter. Criteria: Invitae Variant Classification Sherloc (09022015). Collection method: clinical testing. Allele origin: germline.

CeGaT Center for Human Genetics Tuebingen
Classification: Likely benign. Last evaluated: 2025-11-01. Review status: criteria provided, single submitter. Criteria: CeGaT Center For Human Genetics Tuebingen Variant Classification Criteria Version 2. Collection method: clinical testing. Allele origin: germline. Affected: yes. Observed: 1 variant allele.
Comment: TCTN2: BP4, BS1

Genomic Medicine Center of Excellence, King Faisal Specialist Hospital and Research Centre
Classification: Likely benign. Last evaluated: 2025-08-18. Review status: criteria provided, single submitter. Criteria: ACMG Guidelines, 2015. Collection method: clinical testing. Allele origin: germline.

Mayo Clinic Laboratories, Mayo Clinic
Classification: Likely benign. Last evaluated: 2025-03-03. Review status: criteria provided, single submitter. Criteria: ACMG Guidelines, 2015. Collection method: clinical testing. Allele origin: germline. Observed: 1 variant allele.
Comment: BS1, BP4_moderate

Blueprint Genetics
Classification: Likely benign. Last evaluated: 2024-11-22. Review status: criteria provided, single submitter. Criteria: ACMG Guidelines, 2015. Collection method: clinical testing. Allele origin: germline.

GeneDx
Classification: Benign. Last evaluated: 2018-04-18. Review status: criteria provided, single submitter. Criteria: GeneDx Variant Classification Process June 2021. Collection method: clinical testing. Allele origin: germline. Affected: yes.

Center for Pediatric Genomic Medicine, Children's Mercy Hospital and Clinics
Classification: Likely benign. Last evaluated: 2016-09-13. Review status: criteria provided, single submitter. Criteria: ACMG Guidelines, 2015. Collection method: clinical testing. Allele origin: germline.
ClinVar note: Converted during submission from Likely Benign to Likely benign.

Breakthrough Genomics
Classification: Likely benign. Review status: criteria provided, single submitter. Criteria: ACMG Guidelines, 2015. Collection method: not provided. Allele origin: germline. Inheritance: Autosomal recessive inheritance. Affected: yes.

Genetic Services Laboratory, University of Chicago
Classification: Benign. Last evaluated: 2022-08-15. Review status: no assertion criteria provided. Collection method: clinical testing. Allele origin: germline. Affected: no. Not counted in ClinVar's aggregate classification.

Dr. Peter K. Rogan Lab, Western University
No classification provided (evidence only). Condition: Malignant tumor of urinary bladder. Review status: no classification provided. Collection method: in vitro. Allele origin: not applicable. Functional consequence: retained intron. Not counted in ClinVar's aggregate classification.

Dr. Peter K. Rogan Lab, Western University
No classification provided (evidence only). Condition: Familial cancer of breast. Review status: no classification provided. Collection method: in vitro. Allele origin: not applicable. Functional consequence: retained intron. Not counted in ClinVar's aggregate classification.

Dr. Peter K. Rogan Lab, Western University
No classification provided (evidence only). Condition: Sarcoma. Review status: no classification provided. Collection method: in vitro. Allele origin: not applicable. Functional consequence: retained intron. Not counted in ClinVar's aggregate classification.

NM_024809.5(TCTN2):c.1585C>G (p.Leu529Val)

Gene: TCTN2 (tectonic family member 2; plus strand). Cytogenetic location: 12q24.31.
Variant type: single nucleotide variant.
Coding change: c.1585C>G on transcript NM_024809.5 (MANE Select); coding-DNA position 1585, C replaced by G.
Protein change: p.Leu529Val; replaces leucine 529 with valine.
Molecular consequence: missense variant.
Genome position (GRCh38, 1-based): chr12:123,699,783, C>G. VCF-style: chr12-123699783-C-G. GRCh37 (hg19) VCF-style: chr12-124184330-C-G.
Other names: p.Leu529Val; c.1582C>G, p.Leu528Val (NM_001143850.3); short protein forms L529V, L528V.
Identifiers: ClinVar variation 215940 (VCV000215940.29), dbSNP rs113301547, ClinGen allele CA338728.
Genomic context (GRCh38, chr12:123,699,783, plus strand): 5'-CTTGATTCATTAATACAAGCGACTCACGTTGCAATGAGAGGCAACTCCGATTACGCTGAT[C>G]TTAGTGATGGCTGGCTCGAAATAATACGTAAGTCAAACCCGGGTACAATAAAGCCTGTAA-3'
Protein context (NP_079085.2, residues 519-539): AMRGNSDYAD[Leu529Val]SDGWLEIIRV